The following is an entry in ClinVar:

ClinVar aggregate classification (germline): Uncertain significance (1 of 4 stars; one submission).

Submission:

Women's Health and Genetics/Laboratory Corporation of America, LabCorp
Classification: Uncertain significance. Last evaluated: 2025-06-16. Review status: criteria provided, single submitter. Criteria: LabCorp Variant Classification Summary - May 2015. Collection method: clinical testing. Allele origin: germline.
Comment: Variant summary: CFTR c.1039C>G (p.Arg347Gly) results in a non-conservative amino acid change in the encoded protein sequence. Algorithms developed to predict the effect of missense changes on protein structure and function all suggest that this variant is likely to be disruptive. The variant was absent in 251162 control chromosomes (gnomAD). To our knowledge, no occurrence of c.1039C>G in individuals affected with Cystic Fibrosis and no experimental evidence demonstrating its impact on protein function have been reported. Other variants affecting the same codon have been classified as pathogenic by our lab (e.g., c.1040G>A/p.Arg347His, c.1040G>C/p.Arg347Pro), supporting the critical relevance of codon 347 to CFTR protein function. No submitters have cited clinical-significance assessments for this variant to ClinVar. Based on the evidence outlined above, the variant was classified as VUS-possibly pathogenic.

NM_000492.4(CFTR):c.1039C>G (p.Arg347Gly)

Gene: CFTR (CF transmembrane conductance regulator; plus strand). Cytogenetic location: 7q31.2.
Variant type: single nucleotide variant.
Coding change: c.1039C>G on transcript NM_000492.4 (MANE Select); coding-DNA position 1039, C replaced by G.
Protein change: p.Arg347Gly; replaces arginine 347 with glycine.
Molecular consequence: missense variant.
Genome position (GRCh38, 1-based): chr7:117,540,269, C>G. VCF-style: chr7-117540269-C-G. GRCh37 (hg19) VCF-style: chr7-117180323-C-G.
Other names: short protein forms R347G.
Identifiers: ClinVar variation 3907118 (VCV003907118.1).